The following is an entry in ClinVar:

ClinVar aggregate classification (germline): Likely benign (0 of 4 stars; one submission).

Conditions:
SHH-related disorder. Also called: SHH-related condition; SHH-related disorders.

Allele frequency attached by ClinVar (database versions not stated): gnomAD 0.00001; ExAC 0.00011.
gnomAD v4.1: 23 of 471,482 alleles (0.0049%); highest among the groups gnomAD compares: South Asian, 0.028%; 1 homozygote.

Submission:

PreventionGenetics, part of Exact Sciences
Classification: Likely benign for SHH-related condition. Last evaluated: 2021-11-09. Review status: no assertion criteria provided. Collection method: clinical testing. Allele origin: germline.
Comment: This variant is classified as likely benign based on ACMG/AMP sequence variant interpretation guidelines (Richards et al. 2015 PMID: 25741868, with internal and published modifications).

NM_000193.4(SHH):c.*2758C>T

Gene: SHH (sonic hedgehog signaling molecule; minus strand). Cytogenetic location: 7q36.3.
Variant type: single nucleotide variant.
Coding change: c.*2758C>T on transcript NM_000193.4 (MANE Select); 2758 bases downstream of the stop codon, C replaced by T.
Molecular consequence: 3 prime UTR variant. On other transcripts: synonymous variant (1), non-coding transcript variant (2).
Genome position (GRCh38, 1-based): chr7:155,800,142, G>A on the plus strand (C>T on the coding strand, the complement: SHH is on the minus strand). VCF-style: chr7-155800142-G-A. GRCh37 (hg19) VCF-style: chr7-155592836-G-A.
Other names: c.405C>T, p.Asp135= (NM_001310462.2).
Identifiers: ClinVar variation 3031729 (VCV003031729.2), dbSNP rs747414403, ClinGen allele CA4586835.